The following is an entry in ClinVar:

NM_000075.4(CDK4):c.93T>G (p.Phe31Leu)

Gene: CDK4 (cyclin dependent kinase 4; minus strand). Cytogenetic location: 12q14.1.
Variant type: single nucleotide variant.
Coding change: c.93T>G on transcript NM_000075.4 (MANE Select); coding-DNA position 93, T replaced by G.
Protein change: p.Phe31Leu; replaces phenylalanine 31 with leucine.
Molecular consequence: missense variant.
Genome position (GRCh38, 1-based): chr12:57,751,625, A>C on the plus strand (T>G on the coding strand, the complement: CDK4 is on the minus strand). VCF-style: chr12-57751625-A-C. GRCh37 (hg19) VCF-style: chr12-58145408-A-C.
Other names: short protein forms F31L.
Identifiers: ClinVar variation 823220 (VCV000823220.7), dbSNP rs1595111145, ClinGen allele CA385548907.

ClinVar aggregate classification (germline): Uncertain significance. Review status: criteria provided, multiple submitters, no conflicts (2 of 4 stars). 2 submissions from 2 submitters: Uncertain significance (2). Last evaluated 2024-10-06.

Conditions:
Hereditary cancer-predisposing syndrome. Also called: Tumor predisposition; Hereditary Cancer Syndrome; Neoplastic Syndromes, Hereditary; Hereditary neoplastic syndrome. Identifiers: Orphanet 140162, MedGen C0027672, MeSH D009386, MONDO:0015356.
Familial melanoma. Also called: Hereditary melanoma; Hereditary cutaneous melanoma. Identifiers: Orphanet 618, MedGen C1512419, MONDO:0018961.

Submissions (2):

Labcorp Genetics (formerly Invitae), Labcorp
Classification: Uncertain significance for Familial melanoma. Last evaluated: 2024-10-06. Review status: criteria provided, single submitter. Criteria: Invitae Variant Classification Sherloc (09022015). Collection method: clinical testing. Allele origin: germline.
Comment: This sequence change replaces phenylalanine, which is neutral and non-polar, with leucine, which is neutral and non-polar, at codon 31 of the CDK4 protein (p.Phe31Leu). This variant is not present in population databases (gnomAD no frequency). This variant has not been reported in the literature in individuals affected with CDK4-related conditions. ClinVar contains an entry for this variant (Variation ID: 823220). Invitae Evidence Modeling of protein sequence and biophysical properties (such as structural, functional, and spatial information, amino acid conservation, physicochemical variation, residue mobility, and thermodynamic stability) indicates that this missense variant is not expected to disrupt CDK4 protein function with a negative predictive value of 95%. In summary, the available evidence is currently insufficient to determine the role of this variant in disease. Therefore, it has been classified as a Variant of Uncertain Significance.

Ambry Genetics
Classification: Uncertain significance for Hereditary cancer-predisposing syndrome. Last evaluated: 2019-02-22. Review status: criteria provided, single submitter. Criteria: Ambry Variant Classification Scheme 2023. Collection method: clinical testing. Allele origin: germline.
Comment: The p.F31L variant (also known as c.93T>G), located in coding exon 1 of the CDK4 gene, results from a T to G substitution at nucleotide position 93. The phenylalanine at codon 31 is replaced by leucine, an amino acid with highly similar properties. This amino acid position is highly conserved in available vertebrate species. In addition, the in silico prediction for this alteration is inconclusive. Since supporting evidence is limited at this time, the clinical significance of this alteration remains unclear.